The following is an entry in ClinVar:

ClinVar aggregate classification (germline): Benign/Likely benign. Review status: criteria provided, multiple submitters, no conflicts (2 of 4 stars). 5 submissions from 5 submitters: Benign (1); Likely benign (3). 1 of the submissions does not count toward it. Last evaluated 2026-01-13.

Conditions:
Neonatal-onset encephalopathy with rigidity and seizures. Also called: Lethal neonatal spasticity-epileptic encephalopathy syndrome. Identifiers: Orphanet 435845, MedGen C3281029, MONDO:0013784, OMIM 614498.
BRAT1-related disorder. Also called: BRAT1-related disorders; BRAT1-related condition.
Neurodevelopmental disorder with cerebellar atrophy and with or without seizures. Identifiers: MedGen C4748032, MONDO:0020841, OMIM 618056.

Allele frequency attached by ClinVar (database versions not stated): gnomAD exomes 0.00101 and 0.00015; 1000 Genomes Project 0.00280; 1000 Genomes Project 30x 0.00281; gnomAD 0.00036 and 0.00044; TOPMed 0.00036; ExAC 0.00091.
gnomAD v4.1: 305 of 1,565,138 alleles (0.019%); highest among the groups gnomAD compares: East Asian, 0.63%; 4 homozygotes.

Submissions (5):

Labcorp Genetics (formerly Invitae), Labcorp
Classification: Benign for Neonatal-onset encephalopathy with rigidity and seizures. Last evaluated: 2026-01-13. Review status: criteria provided, single submitter. Criteria: Invitae Variant Classification Sherloc (09022015). Collection method: clinical testing. Allele origin: germline.

Blueprint Genetics
Classification: Likely benign. Last evaluated: 2024-11-27. Review status: criteria provided, single submitter. Criteria: ACMG Guidelines, 2015. Collection method: clinical testing. Allele origin: germline.

GeneDx
Classification: Likely benign. Last evaluated: 2020-12-10. Review status: criteria provided, single submitter. Criteria: GeneDx Variant Classification Process June 2021. Collection method: clinical testing. Allele origin: germline. Affected: yes.

Center for Genomics, Ann and Robert H. Lurie Children's Hospital of Chicago
Classification: Likely benign for Neurodevelopmental disorder with cerebellar atrophy and with or without seizures; Neonatal-onset encephalopathy with rigidity and seizures. Review status: criteria provided, single submitter. Criteria: ACMG Guidelines, 2015. Collection method: clinical testing. Allele origin: germline.
Comment: This variant has not been reported in the literature but is present in the Genome Aggregation Database (Highest reported MAF 1.3% (240/17942) including 1 homozygote. This variant is present in ClinVar, with multiple labs classifying this variant as Likely Benign or Benign (Variation ID:472968). Evolutionary conservation and computational predictive tools suggest that this variant may impact the protein. Splice prediction tools suggest that this variant may affect splicing. However, further studies are needed to understand its impact. In summary, data on this variant suggests that this variant does not cause disease but requires further evidence. Therefore, this variant is classified as likely benign.

PreventionGenetics, part of Exact Sciences
Classification: Benign for BRAT1-related condition. Last evaluated: 2024-08-26. Review status: no assertion criteria provided. Collection method: clinical testing. Allele origin: germline. Not counted in ClinVar's aggregate classification.
Comment: This variant is classified as benign based on ACMG/AMP sequence variant interpretation guidelines (Richards et al. 2015 PMID: 25741868, with internal and published modifications).

NM_152743.4(BRAT1):c.431G>A (p.Gly144Asp)

Gene: BRAT1 (BRCA1 associated ATM activator 1; minus strand). Cytogenetic location: 7p22.3.
Variant type: single nucleotide variant.
Coding change: c.431G>A on transcript NM_152743.4 (MANE Select); coding-DNA position 431, G replaced by A.
Protein change: p.Gly144Asp; replaces glycine 144 with aspartic acid.
Molecular consequence: missense variant. On other transcripts: 5 prime UTR variant (1), non-coding transcript variant (1).
Genome position (GRCh38, 1-based): chr7:2,543,962, C>T on the plus strand (G>A on the coding strand, the complement: BRAT1 is on the minus strand). VCF-style: chr7-2543962-C-T. GRCh37 (hg19) VCF-style: chr7-2583596-C-T.
Other names: c.431G>A, p.Gly144Asp (NM_001350626.2); c.-95G>A (NM_001350627.2); short protein forms G144D.
Identifiers: ClinVar variation 472968 (VCV000472968.17), dbSNP rs199745325, ClinGen allele CA4128201.